The following is an entry in ClinVar:

NM_205836.3(FBXO38):c.2386C>T (p.Arg796Cys)

Gene: FBXO38 (F-box protein 38; plus strand). Cytogenetic location: 5q32.
Variant type: single nucleotide variant.
Coding change: c.2386C>T on transcript NM_205836.3 (MANE Select); coding-DNA position 2386, C replaced by T.
Protein change: p.Arg796Cys; replaces arginine 796 with cysteine.
Molecular consequence: missense variant. On other transcripts: intron variant (1).
Genome position (GRCh38, 1-based): chr5:148,427,680, C>T. VCF-style: chr5-148427680-C-T. GRCh37 (hg19) VCF-style: chr5-147807243-C-T.
Other names: c.2386C>T, p.Arg796Cys (NM_030793.5); c.1918+1979C>T (NM_001271723.2); short protein forms R796C.
Identifiers: ClinVar variation 1790495 (VCV001790495.4), dbSNP rs1184035899, ClinGen allele CA361657680.

ClinVar aggregate classification (germline): Uncertain significance. Review status: criteria provided, multiple submitters, no conflicts (2 of 4 stars). 2 submissions from 2 submitters: Uncertain significance (2). Last evaluated 2024-10-01.

Conditions:
Distal hereditary motor neuropathy type 2. Identifiers: Orphanet 139525, MedGen C3711384, MeSH C580044, MONDO:0015352.

Allele frequency attached by ClinVar (database versions not stated): gnomAD 0.00001; gnomAD exomes 0.00001; TOPMed 0.00002.
gnomAD v4.1: 13 of 1,614,110 alleles (0.00081%); highest among the groups gnomAD compares: South Asian, 0.0011%; no homozygotes.

Submissions (2):

Labcorp Genetics (formerly Invitae), Labcorp
Classification: Uncertain significance for Distal hereditary motor neuropathy type 2. Last evaluated: 2024-10-01. Review status: criteria provided, single submitter. Criteria: Invitae Variant Classification Sherloc (09022015). Collection method: clinical testing. Allele origin: germline.
Comment: This sequence change replaces arginine, which is basic and polar, with cysteine, which is neutral and slightly polar, at codon 796 of the FBXO38 protein (p.Arg796Cys). This variant is present in population databases (no rsID available, gnomAD 0.0009%). This variant has not been reported in the literature in individuals affected with FBXO38-related conditions. ClinVar contains an entry for this variant (Variation ID: 1790495). Invitae Evidence Modeling of protein sequence and biophysical properties (such as structural, functional, and spatial information, amino acid conservation, physicochemical variation, residue mobility, and thermodynamic stability) indicates that this missense variant is not expected to disrupt FBXO38 protein function with a negative predictive value of 80%. In summary, the available evidence is currently insufficient to determine the role of this variant in disease. Therefore, it has been classified as a Variant of Uncertain Significance.

Ambry Genetics
Classification: Uncertain significance. Last evaluated: 2020-03-19. Review status: criteria provided, single submitter. Criteria: Ambry Variant Classification Scheme 2023. Collection method: clinical testing. Allele origin: germline.
Comment: The p.R796C variant (also known as c.2386C>T), located in coding exon 14 of the FBXO38 gene, results from a C to T substitution at nucleotide position 2386. The arginine at codon 796 is replaced by cysteine, an amino acid with highly dissimilar properties. This amino acid position is well conserved in available vertebrate species. In addition, this alteration is predicted to be tolerated by in silico analysis. Since supporting evidence is limited at this time, the clinical significance of this alteration remains unclear.